The following is an entry in ClinVar:

NM_022841.7(RFX7):c.559A>G (p.Met187Val)

Gene: RFX7 (regulatory factor X7; minus strand). Cytogenetic location: 15q21.3.
Variant type: single nucleotide variant.
Coding change: c.559A>G on transcript NM_022841.7 (MANE Select); coding-DNA position 559, A replaced by G.
Protein change: p.Met187Val; replaces methionine 187 with valine.
Molecular consequence: missense variant.
Genome position (GRCh38, 1-based): chr15:56,102,213, T>C on the plus strand (A>G on the coding strand, the complement: RFX7 is on the minus strand). VCF-style: chr15-56102213-T-C. GRCh37 (hg19) VCF-style: chr15-56394411-T-C.
Other names: c.268A>G, p.Met90Val (NM_001368073.2, NM_001368074.1, NM_001370554.1); c.559A>G, p.Met187Val (NM_001370561.1); c.559A>G (NM_022841.5); short protein forms M187V, M90V.
Identifiers: ClinVar variation 4925201 (VCV004925201.2).

ClinVar aggregate classification (germline): Uncertain significance. Review status: criteria provided, multiple submitters, no conflicts (2 of 4 stars). 2 submissions from 2 submitters: Uncertain significance (2). Last evaluated 2026-04-20.

Submissions (2):

GeneDx
Classification: Uncertain significance. Last evaluated: 2026-04-20. Review status: criteria provided, single submitter. Criteria: GeneDx Variant Classification Process June 2021. Collection method: clinical testing. Allele origin: germline.
Comment: Not observed at significant frequency in large population cohorts (gnomAD); In silico analysis suggests that this missense variant does not alter protein structure/function; Has not been previously published as pathogenic or benign to our knowledge

Blueprint Genetics
Classification: Uncertain significance. Last evaluated: 2022-02-22. Review status: criteria provided, single submitter. Criteria: ACMG Guidelines, 2015. Collection method: clinical testing. Allele origin: germline.